The following is an entry in ClinVar:

ClinVar aggregate classification (germline): Uncertain significance. Review status: criteria provided, multiple submitters, no conflicts (2 of 4 stars). 2 submissions from 2 submitters: Uncertain significance (2). Last evaluated 2025-02-20.

Conditions:
Hereditary cancer-predisposing syndrome. Also called: Tumor predisposition; Hereditary neoplastic syndrome; Hereditary Cancer Syndrome; Neoplastic Syndromes, Hereditary. Identifiers: Orphanet 140162, MedGen C0027672, MeSH D009386, MONDO:0015356.
Rhabdoid tumor predisposition syndrome 2 (RTPS2). Identifiers: Orphanet 231108, Orphanet 69077, MedGen C2750074, MONDO:0013224, OMIM 613325.

Submissions (2):

Ambry Genetics
Classification: Uncertain significance for Hereditary cancer-predisposing syndrome. Last evaluated: 2025-02-20. Review status: criteria provided, single submitter. Criteria: Ambry Variant Classification Scheme 2023. Collection method: clinical testing. Allele origin: germline.
Comment: The c.4170+5A>T intronic variant results from an A to T substitution 5 nucleotides after coding exon 28 in the SMARCA4 gene. This nucleotide position is well conserved in available vertebrate species. In silico splice site analysis predicts that this alteration will not have any significant effect on splicing. Based on the available evidence, the clinical significance of this variant remains unclear.

Labcorp Genetics (formerly Invitae), Labcorp
Classification: Uncertain significance for Rhabdoid tumor predisposition syndrome 2. Last evaluated: 2024-07-03. Review status: criteria provided, single submitter. Criteria: Invitae Variant Classification Sherloc (09022015). Collection method: clinical testing. Allele origin: germline.
Comment: This sequence change falls in intron 29 of the SMARCA4 gene. It does not directly change the encoded amino acid sequence of the SMARCA4 protein. It affects a nucleotide within the consensus splice site. This variant is not present in population databases (gnomAD no frequency). This variant has not been reported in the literature in individuals affected with SMARCA4-related conditions. Variants that disrupt the consensus splice site are a relatively common cause of aberrant splicing (PMID: 17576681, 9536098). Algorithms developed to predict the effect of sequence changes on RNA splicing suggest that this variant is not likely to affect RNA splicing. In summary, the available evidence is currently insufficient to determine the role of this variant in disease. Therefore, it has been classified as a Variant of Uncertain Significance.

Literature cited by the submitters: PubMed 17576681 (cited by Labcorp Genetics (formerly Invitae), Labcorp); PubMed 9536098 (cited by Labcorp Genetics (formerly Invitae), Labcorp).

NM_003072.5(SMARCA4):c.4170+5A>T

Gene: SMARCA4 (SWI/SNF related BAF chromatin remodeling complex subunit ATPase 4; plus strand). Cytogenetic location: 19p13.2.
Variant type: single nucleotide variant.
Coding change: c.4170+5A>T on transcript NM_003072.5 (MANE Select); 5 bases into the intron after coding-DNA position 4170, A replaced by T.
Molecular consequence: intron variant.
Genome position (GRCh38, 1-based): chr19:11,035,137, A>T. VCF-style: chr19-11035137-A-T. GRCh37 (hg19) VCF-style: chr19-11145813-A-T.
Other names: c.4170+5A>T (NM_001128849.1, NM_001128844.3, NM_001128849.3 and 1 more transcripts); c.4071+5A>T (NM_001128847.4, NM_001411150.1, NM_001374457.1 and 3 more transcripts).
Identifiers: ClinVar variation 2985382 (VCV002985382.4), dbSNP rs749029481, ClinGen allele CA2322732003.